The following is an entry in ClinVar:

NM_021922.3(FANCE):c.193G>C (p.Glu65Gln)

Genes: FANCE (FA complementation group E; plus strand), LOC129996245 (ATAC-STARR-seq lymphoblastoid silent region 17092; plus strand). Cytogenetic location: 6p21.31.
Variant type: single nucleotide variant.
Coding change: c.193G>C on transcript NM_021922.3 (MANE Select); coding-DNA position 193, G replaced by C.
Protein change: p.Glu65Gln; replaces glutamic acid 65 with glutamine.
Molecular consequence: missense variant.
Genome position (GRCh38, 1-based): chr6:35,452,738, G>C. VCF-style: chr6-35452738-G-C. GRCh37 (hg19) VCF-style: chr6-35420515-G-C.
Other names: c.193G>C, p.Glu65Gln (NM_001410876.1); short protein forms E65Q.
Identifiers: ClinVar variation 4714394 (VCV004714394.1).

ClinVar aggregate classification (germline): Uncertain significance (1 of 4 stars; one submission).

Conditions:
Fanconi anemia complementation group E (FANCE). Also called: FANCE-Related Fanconi Anemia. Identifiers: Orphanet 84, MedGen C3160739, MONDO:0010953, OMIM 600901.

Submission:

Labcorp Genetics (formerly Invitae), Labcorp
Classification: Uncertain significance for Fanconi anemia complementation group E. Last evaluated: 2025-03-04. Review status: criteria provided, single submitter. Criteria: Invitae Variant Classification Sherloc (09022015). Collection method: clinical testing. Allele origin: germline.
Comment: This sequence change replaces glutamic acid, which is acidic and polar, with glutamine, which is neutral and polar, at codon 65 of the FANCE protein (p.Glu65Gln). This variant is not present in population databases (gnomAD no frequency). This variant has not been reported in the literature in individuals affected with FANCE-related conditions. Invitae Evidence Modeling of protein sequence and biophysical properties (such as structural, functional, and spatial information, amino acid conservation, physicochemical variation, residue mobility, and thermodynamic stability) has been performed for this missense variant. However, the output from this modeling did not meet the statistical confidence thresholds required to predict the impact of this variant on FANCE protein function. In summary, the available evidence is currently insufficient to determine the role of this variant in disease. Therefore, it has been classified as a Variant of Uncertain Significance.